The following is an entry in ClinVar:

ClinVar aggregate classification (germline): Uncertain significance (1 of 4 stars; one submission).

Conditions:
Birt-Hogg-Dube syndrome. Also called: Birt Hogg Dubé syndrome. Identifiers: Orphanet 122, MedGen C0346010, MONDO:0800444.

gnomAD v4.1: 1 of 1,613,246 alleles (0.000062%); highest among the groups gnomAD compares: South Asian, 0.0011%; no homozygotes.

Submission:

Labcorp Genetics (formerly Invitae), Labcorp
Classification: Uncertain significance for Birt-Hogg-Dube syndrome. Last evaluated: 2024-07-30. Review status: criteria provided, single submitter. Criteria: Invitae Variant Classification Sherloc (09022015). Collection method: clinical testing. Allele origin: germline.
Comment: This sequence change falls in intron 6 of the FLCN gene. It does not directly change the encoded amino acid sequence of the FLCN protein. It affects a nucleotide within the consensus splice site. This variant is not present in population databases (gnomAD no frequency). This variant has not been reported in the literature in individuals affected with FLCN-related conditions. Variants that disrupt the consensus splice site are a relatively common cause of aberrant splicing (PMID: 17576681, 9536098). Algorithms developed to predict the effect of sequence changes on RNA splicing suggest that this variant may disrupt the consensus splice site. In summary, the available evidence is currently insufficient to determine the role of this variant in disease. Therefore, it has been classified as a Variant of Uncertain Significance.

Literature cited by the submitters: PubMed 17576681; PubMed 9536098.

NM_144997.7(FLCN):c.618+3G>T

Gene: FLCN (folliculin; minus strand). Cytogenetic location: 17p11.2.
Variant type: single nucleotide variant.
Coding change: c.618+3G>T on transcript NM_144997.7 (MANE Select); 3 bases into the intron after coding-DNA position 618, G replaced by T.
Molecular consequence: intron variant.
Genome position (GRCh38, 1-based): chr17:17,223,919, C>A on the plus strand (G>T on the coding strand, the complement: FLCN is on the minus strand). VCF-style: chr17-17223919-C-A. GRCh37 (hg19) VCF-style: chr17-17127233-C-A.
Other names: c.618+3G>T (NM_001353231.2, NM_001353230.2, NM_144606.7); c.672+3G>T (NM_001353229.2).
Identifiers: ClinVar variation 3715535 (VCV003715535.2).